The following is an entry in ClinVar:

ClinVar aggregate classification (germline): Pathogenic (1 of 4 stars; one submission).

Conditions:
Gorlin syndrome. Also called: Basal cell nevus syndrome; Nevoid Basal Cell Carcinoma Syndrome. Identifiers: Orphanet 377, MedGen C0004779, MONDO:0007187.

Submission:

Labcorp Genetics (formerly Invitae), Labcorp
Classification: Pathogenic for Gorlin syndrome. Last evaluated: 2017-04-14. Review status: criteria provided, single submitter. Criteria: Invitae Variant Classification Sherloc (09022015). Collection method: clinical testing. Allele origin: germline.
Comment: For these reasons, this variant has been classified as Pathogenic. While this particular variant has not been reported in the literature, loss-of-function variants in PTCH1 are known to be pathogenic (PMID: 16301862, 16419085). This sequence change inserts 1 nucleotide in exon 18 of the PTCH1 mRNA (c.3125dupT), causing a frameshift at codon 1043. This creates a premature translational stop signal (p.Cys1043Valfs*102) and is expected to result in an absent or disrupted protein product.

Literature cited by the submitters: PubMed 16301862; PubMed 16419085.

NM_000264.5(PTCH1):c.3125dup (p.Cys1043fs)

Gene: PTCH1 (patched 1; minus strand). Cytogenetic location: 9q22.32.
Variant type: Duplication.
Coding change: c.3125dup on transcript NM_000264.5 (MANE Select); coding-DNA position 3125, one base duplicated (T; older notation c.3125dupT).
Protein change: p.Cys1043fs; shifts the reading frame from cysteine 1043.
Molecular consequence: frameshift variant. On other transcripts: non-coding transcript variant (1).
Genome position (GRCh38, 1-based): chr9:95,458,056, A duplicated on the plus strand (T on the coding strand, the reverse complement: PTCH1 is on the minus strand). VCF-style (leftmost placement, unchanged base first): chr9-95458055-C-CA. GRCh37 (hg19) VCF-style: chr9-98220337-C-CA.
Other names: c.2927dup, p.Cys977fs (NM_001083602.3); c.3122dup, p.Cys1042fs (NM_001083603.3); c.2672dup, p.Cys892fs (NM_001083604.3, NM_001083605.3, NM_001083606.3 and 1 more transcripts); c.2969dup, p.Cys991fs (NM_001354918.2); c.3125dupT (NM_000264.3); short protein forms C991fs, C1042fs, C892fs, C1043fs, C977fs.
Identifiers: ClinVar variation 453841 (VCV000453841.7), dbSNP rs1554691354, ClinGen allele CA658657884.